The following is an entry in ClinVar:

NM_015559.3(SETBP1):c.3790T>G (p.Ser1264Ala)

Gene: SETBP1 (SET binding protein 1; plus strand). Cytogenetic location: 18q12.3.
Variant type: single nucleotide variant.
Coding change: c.3790T>G on transcript NM_015559.3 (MANE Select); coding-DNA position 3790, T replaced by G.
Protein change: p.Ser1264Ala; replaces serine 1264 with alanine.
Molecular consequence: missense variant.
Genome position (GRCh38, 1-based): chr18:44,953,130, T>G. VCF-style: chr18-44953130-T-G. GRCh37 (hg19) VCF-style: chr18-42533095-T-G.
Other names: c.3790T>G, p.Ser1264Ala (LRG_1150t1); short protein forms S1264A.
Identifiers: ClinVar variation 448301 (VCV000448301.16), dbSNP rs141108624, ClinGen allele CA8945982.

ClinVar aggregate classification (germline): Benign/Likely benign. Review status: criteria provided, multiple submitters, no conflicts (2 of 4 stars). 6 submissions from 6 submitters: Benign (1); Likely benign (4). 1 of the submissions does not count toward it. Last evaluated 2026-01-19.

Conditions:
SETBP1-related disorder. Also called: SETBP1-related condition; SETBP1-related disorders.
Inborn genetic diseases. Identifiers: MedGen C0950123, MeSH D030342.

Allele frequency attached by ClinVar (database versions not stated): TOPMed 0.00067; 1000 Genomes Project 30x 0.00078; 1000 Genomes Project 0.00080; gnomAD exomes 0.00016; ExAC 0.00018; ESP Exome Variant Server 0.00054; gnomAD 0.00054 and 0.00055.
gnomAD v4.1: 166 of 1,614,120 alleles (0.01%); highest among the groups gnomAD compares: African/African-American, 0.19%; no homozygotes.

Submissions (6):

Labcorp Genetics (formerly Invitae), Labcorp
Classification: Likely benign. Last evaluated: 2026-01-19. Review status: criteria provided, single submitter. Criteria: Invitae Variant Classification Sherloc (09022015). Collection method: clinical testing. Allele origin: germline.

Ambry Genetics
Classification: Likely benign for Inborn genetic diseases. Last evaluated: 2025-05-26. Review status: criteria provided, single submitter. Criteria: Ambry Variant Classification Scheme 2023. Collection method: clinical testing. Allele origin: germline.

Blueprint Genetics
Classification: Likely benign. Last evaluated: 2024-11-26. Review status: criteria provided, single submitter. Criteria: ACMG Guidelines, 2015. Collection method: clinical testing. Allele origin: germline.

GeneDx
Classification: Benign. Last evaluated: 2020-07-14. Review status: criteria provided, single submitter. Criteria: GeneDx Variant Classification Process June 2021. Collection method: clinical testing. Allele origin: germline. Affected: yes.

Athena Diagnostics
Classification: Likely benign. Last evaluated: 2017-03-29. Review status: criteria provided, single submitter. Criteria: Athena Diagnostics Criteria. Collection method: clinical testing. Allele origin: germline.

PreventionGenetics, part of Exact Sciences
Classification: Likely benign for SETBP1-related condition. Last evaluated: 2019-05-15. Review status: no assertion criteria provided. Collection method: clinical testing. Allele origin: germline. Not counted in ClinVar's aggregate classification.
Comment: This variant is classified as likely benign based on ACMG/AMP sequence variant interpretation guidelines (Richards et al. 2015 PMID: 25741868, with internal and published modifications).